The following is an entry in ClinVar:

ClinVar aggregate classification (germline): Uncertain significance (1 of 4 stars; one submission).

Conditions:
Alpha thalassemia-X-linked intellectual disability syndrome (ATRX). Also called: ALPHA-THALASSEMIA/MENTAL RETARDATION SYNDROME, X-LINKED; ATR, NONDELETION TYPE; ATR-X syndrome; Alpha thalassemia mental retardation syndrome, nondeletion type, X-linked; XLMR hypotonic face syndrome; X-linked alpha-thalassemia-mental retardation syndrome. Identifiers: Orphanet 847, MedGen C1845055, MONDO:0010519, OMIM 301040.

Submission:

Labcorp Genetics (formerly Invitae), Labcorp
Classification: Uncertain significance for Alpha thalassemia-X-linked intellectual disability syndrome. Last evaluated: 2025-01-09. Review status: criteria provided, single submitter. Criteria: Invitae Variant Classification Sherloc (09022015). Collection method: clinical testing. Allele origin: germline.
Comment: This sequence change replaces tyrosine, which is neutral and polar, with serine, which is neutral and polar, at codon 343 of the ATRX protein (p.Tyr343Ser). This variant is not present in population databases (gnomAD no frequency). This variant has not been reported in the literature in individuals affected with ATRX-related conditions. Invitae Evidence Modeling of protein sequence and biophysical properties (such as structural, functional, and spatial information, amino acid conservation, physicochemical variation, residue mobility, and thermodynamic stability) indicates that this missense variant is not expected to disrupt ATRX protein function with a negative predictive value of 95%. In summary, the available evidence is currently insufficient to determine the role of this variant in disease. Therefore, it has been classified as a Variant of Uncertain Significance.

NM_000489.6(ATRX):c.1028A>C (p.Tyr343Ser)

Gene: ATRX (ATRX chromatin remodeler; minus strand). Cytogenetic location: Xq21.1.
Variant type: single nucleotide variant.
Coding change: c.1028A>C on transcript NM_000489.6 (MANE Select); coding-DNA position 1028, A replaced by C.
Protein change: p.Tyr343Ser; replaces tyrosine 343 with serine.
Molecular consequence: missense variant.
Genome position (GRCh38, 1-based): chrX:77,684,228, T>G on the plus strand (A>C on the coding strand, the complement: ATRX is on the minus strand). VCF-style: chrX-77684228-T-G. GRCh37 (hg19) VCF-style: chrX-76939720-T-G.
Other names: c.914A>C, p.Tyr305Ser (NM_138270.5); short protein forms Y305S, Y343S.
Identifiers: ClinVar variation 3635002 (VCV003635002.2).